The following is an entry in ClinVar:

NM_003839.4(TNFRSF11A):c.364C>T (p.Gln122Ter)

Gene: TNFRSF11A (TNF receptor superfamily member 11a; plus strand). Cytogenetic location: 18q21.33.
Variant type: single nucleotide variant.
Coding change: c.364C>T on transcript NM_003839.4 (MANE Select); coding-DNA position 364, C replaced by T.
Protein change: p.Gln122Ter; replaces glutamine 122 with a stop codon.
Molecular consequence: nonsense.
Genome position (GRCh38, 1-based): chr18:62,354,471, C>T. VCF-style: chr18-62354471-C-T. GRCh37 (hg19) VCF-style: chr18-60021704-C-T.
Other names: c.364C>T, p.Gln122Ter (NM_001270949.2, NM_001270950.2, NM_001270951.2 and 1 more transcripts); short protein forms Q122*.
Identifiers: ClinVar variation 3722218 (VCV003722218.2).

ClinVar aggregate classification (germline): Pathogenic (1 of 4 stars; one submission).

Submission:

Labcorp Genetics (formerly Invitae), Labcorp
Classification: Pathogenic. Last evaluated: 2024-10-04. Review status: criteria provided, single submitter. Criteria: Invitae Variant Classification Sherloc (09022015). Collection method: clinical testing. Allele origin: germline.
Comment: This sequence change creates a premature translational stop signal (p.Gln122*) in the TNFRSF11A gene. It is expected to result in an absent or disrupted protein product. Loss-of-function variants in TNFRSF11A are known to be pathogenic (PMID: 10677500, 18606301, 22271396). This variant is not present in population databases (gnomAD no frequency). This variant has not been reported in the literature in individuals affected with TNFRSF11A-related conditions. For these reasons, this variant has been classified as Pathogenic.

Literature cited by the submitters: PubMed 10677500; PubMed 18606301; PubMed 22271396.